The following is an entry in ClinVar:

NM_001271938.2(MEGF8):c.2341C>T (p.Arg781Trp)

Gene: MEGF8 (multiple EGF like domains 8; plus strand). Cytogenetic location: 19q13.2.
Variant type: single nucleotide variant.
Coding change: c.2341C>T on transcript NM_001271938.2 (MANE Select); coding-DNA position 2341, C replaced by T.
Protein change: p.Arg781Trp; replaces arginine 781 with tryptophan.
Molecular consequence: missense variant.
Genome position (GRCh38, 1-based): chr19:42,349,541, C>T. VCF-style: chr19-42349541-C-T. GRCh37 (hg19) VCF-style: chr19-42853693-C-T.
Other names: c.2140C>T, p.Arg714Trp (NM_001410.3); c.2140C>T (NM_001410.2); short protein forms R714W, R781W.
Identifiers: ClinVar variation 2136492 (VCV002136492.4), dbSNP rs745353025, ClinGen allele CA9474708.

ClinVar aggregate classification (germline): Uncertain significance. Review status: criteria provided, multiple submitters, no conflicts (2 of 4 stars). 2 submissions from 2 submitters: Uncertain significance (2). Last evaluated 2023-10-10.

Conditions:
Inborn genetic diseases. Identifiers: MedGen C0950123, MeSH D030342.
MEGF8-related Carpenter syndrome. Also called: Carpenter syndrome 2. Identifiers: Orphanet 65759, MedGen C3554247, MONDO:0013998, OMIM 614976.

Allele frequency attached by ClinVar (database versions not stated): gnomAD 0.00001; ExAC 0.00002; gnomAD exomes 0.00002; TOPMed 0.00002.
gnomAD v4.1: 22 of 1,611,908 alleles (0.0014%); highest among the groups gnomAD compares: South Asian, 0.0033%; no homozygotes.

Submissions (2):

Ambry Genetics
Classification: Uncertain significance for Inborn genetic diseases. Last evaluated: 2023-10-10. Review status: criteria provided, single submitter. Criteria: Ambry Variant Classification Scheme 2023. Collection method: clinical testing. Allele origin: germline.

Labcorp Genetics (formerly Invitae), Labcorp
Classification: Uncertain significance for MEGF8-related Carpenter syndrome. Last evaluated: 2022-07-19. Review status: criteria provided, single submitter. Criteria: Invitae Variant Classification Sherloc (09022015). Collection method: clinical testing. Allele origin: germline.
Comment: In summary, the available evidence is currently insufficient to determine the role of this variant in disease. Therefore, it has been classified as a Variant of Uncertain Significance. Algorithms developed to predict the effect of missense changes on protein structure and function are either unavailable or do not agree on the potential impact of this missense change (SIFT: "Deleterious"; PolyPhen-2: "Possibly Damaging"; Align-GVGD: "Class C0"). This variant has not been reported in the literature in individuals affected with MEGF8-related conditions. This variant is present in population databases (rs745353025, gnomAD 0.006%). This sequence change replaces arginine, which is basic and polar, with tryptophan, which is neutral and slightly polar, at codon 714 of the MEGF8 protein (p.Arg714Trp).